The following is an entry in ClinVar:

NM_000535.7(PMS2):c.687T>C (p.Ser229=)

Gene: PMS2 (PMS1 homolog 2, mismatch repair system component; minus strand). Cytogenetic location: 7p22.1.
Variant type: single nucleotide variant.
Coding change: c.687T>C on transcript NM_000535.7 (MANE Select); coding-DNA position 687, T replaced by C.
Protein change: p.Ser229=; no amino-acid change (serine 229 retained).
Molecular consequence: synonymous variant. On other transcripts: 5 prime UTR variant (2), non-coding transcript variant (1), intron variant (1).
Genome position (GRCh38, 1-based): chr7:5,999,126, A>G on the plus strand (T>C on the coding strand, the complement: PMS2 is on the minus strand). VCF-style: chr7-5999126-A-G. GRCh37 (hg19) VCF-style: chr7-6038757-A-G.
Other names: c.282T>C, p.Ser94= (NM_001322003.2, NM_001322004.2, NM_001322005.2 and 2 more transcripts); c.687T>C, p.Ser229= (NM_001322006.2, NM_001322014.2); c.369T>C, p.Ser123= (NM_001322007.2, NM_001322008.2); c.-247T>C (NM_001322011.2, NM_001322012.2); c.378T>C, p.Ser126= (NM_001322015.2); c.133-1703T>C (NM_001322013.2).
Identifiers: ClinVar variation 184507 (VCV000184507.64), dbSNP rs786201508, ClinGen allele CA012533.

ClinVar aggregate classification (germline): Conflicting classifications of pathogenicity. Review status: criteria provided, conflicting classifications (1 of 4 stars). 9 submissions from 9 submitters: Uncertain significance (1); Benign (1); Likely benign (7). Last evaluated 2026-01-20.

Conditions:
Hereditary nonpolyposis colorectal neoplasms. Identifiers: MedGen C0009405, MeSH D003123.
Hereditary cancer-predisposing syndrome. Also called: Tumor predisposition; Neoplastic Syndromes, Hereditary; Hereditary Cancer Syndrome; Hereditary neoplastic syndrome. Identifiers: Orphanet 140162, MedGen C0027672, MeSH D009386, MONDO:0015356.
Lynch syndrome. Identifiers: Orphanet 144, MedGen C4552100, MONDO:0005835. Disease mechanism: loss of function.
Lynch syndrome 4 (LYNCH4). Also called: Hereditary non-polyposis colorectal cancer, type 4; Colorectal cancer, hereditary nonpolyposis, type 4. Identifiers: Orphanet 144, MedGen C1838333, MONDO:0013699, OMIM 614337. Disease mechanism: loss of function.

Allele frequency attached by ClinVar (database versions not stated): gnomAD exomes below 0.00001 and 0.00002; gnomAD 0.00001; TOPMed 0.00001.
gnomAD v4.1: 10 of 1,614,012 alleles (0.00062%); highest among the groups gnomAD compares: Non-Finnish European, 0.00085%; no homozygotes.

Submissions (9):

Labcorp Genetics (formerly Invitae), Labcorp
Classification: Likely benign for Hereditary nonpolyposis colorectal neoplasms. Last evaluated: 2026-01-20. Review status: criteria provided, single submitter. Criteria: Invitae Variant Classification Sherloc (09022015). Collection method: clinical testing. Allele origin: germline.

Quest Diagnostics Nichols Institute San Juan Capistrano
Classification: Likely benign. Last evaluated: 2025-08-05. Review status: criteria provided, single submitter. Criteria: Quest Diagnostics criteria. Collection method: clinical testing. Allele origin: unknown.

Myriad Genetics, Inc.
Classification: Benign for Lynch syndrome 4. Last evaluated: 2025-01-27. Review status: criteria provided, single submitter. Criteria: Myriad Autosomal Dominant, Autosomal Recessive and X-Linked Classification Criteria (2023). Collection method: clinical testing. Allele origin: unknown.
Comment: This variant is considered benign. This variant is a silent/synonymous amino acid change and it is not expected to impact splicing.

All of Us Research Program, National Institutes of Health
Classification: Likely benign for Lynch syndrome. Last evaluated: 2023-06-08. Review status: criteria provided, single submitter. Criteria: ACMG Guidelines, 2015. Collection method: clinical testing. Allele origin: germline. Inheritance: Autosomal dominant inheritance. Observed: 4 variant alleles, 4 heterozygotes.
Comment: This study involves interpretation of variants in research participants for the purpose of population health screening. Participant phenotype was not available at the time of variant classification. Additional details can be found in publication PMID: 35346344, PMCID: PMC8962531

Blueprint Genetics
Classification: Likely benign. Last evaluated: 2022-07-18. Review status: criteria provided, single submitter. Criteria: ACMG Guidelines, 2015. Collection method: clinical testing. Allele origin: germline.

GeneDx
Classification: Likely benign. Last evaluated: 2018-12-12. Review status: criteria provided, single submitter. Criteria: GeneDx Variant Classification Process June 2021. Collection method: clinical testing. Allele origin: germline. Affected: yes.

CeGaT Center for Human Genetics Tuebingen
Classification: Uncertain significance. Last evaluated: 2017-11-01. Review status: criteria provided, single submitter. Criteria: CeGaT Center For Human Genetics Tuebingen Variant Classification Criteria Version 2. Collection method: clinical testing. Allele origin: germline. Affected: yes. Observed: 1 variant allele.

Color Diagnostics, LLC DBA Color Health
Classification: Likely benign for Hereditary cancer-predisposing syndrome. Last evaluated: 2017-07-20. Review status: criteria provided, single submitter. Criteria: ACMG Guidelines, 2015. Collection method: clinical testing. Allele origin: germline.

Ambry Genetics
Classification: Likely benign for Hereditary cancer-predisposing syndrome. Last evaluated: 2014-11-06. Review status: criteria provided, single submitter. Criteria: Ambry Variant Classification Scheme 2023. Collection method: clinical testing. Allele origin: germline.

Literature cited by the submitters: PubMed 26247049 (cited by Quest Diagnostics Nichols Institute San Juan Capistrano).